The following is an entry in ClinVar:

NM_001042492.3(NF1):c.4206C>G (p.Ile1402Met)

Gene: NF1 (neurofibromin 1; plus strand). Cytogenetic location: 17q11.2.
Variant type: single nucleotide variant.
Coding change: c.4206C>G on transcript NM_001042492.3 (MANE Select); coding-DNA position 4206, C replaced by G.
Protein change: p.Ile1402Met; replaces isoleucine 1402 with methionine.
Molecular consequence: missense variant.
Genome position (GRCh38, 1-based): chr17:31,258,376, C>G. VCF-style: chr17-31258376-C-G. GRCh37 (hg19) VCF-style: chr17-29585394-C-G.
Other names: c.4143C>G, p.Ile1381Met (NM_000267.4); short protein forms I1402M, I1381M.
Identifiers: ClinVar variation 824625 (VCV000824625.4), dbSNP rs864622406, ClinGen allele CA398997663.
Genomic context (GRCh38, chr17:31,258,376, plus strand): 5'-TACTCAATTCTCAACTCCTTGTTTTTAGGTGGTTAGCCAGCGTTTCCCTCAGAACAGCAT[C>G]GGTGCAGTAGGAAGTGCCATGTTCCTCAGATTTATCAATCCTGCCATTGTCTCACCGTAT-3'
Protein context (NP_001035957.1, residues 1392-1412): VVSQRFPQNS[Ile1402Met]GAVGSAMFLR

ClinVar aggregate classification (germline): Uncertain significance (1 of 4 stars; one submission).

Conditions:
Hereditary cancer-predisposing syndrome. Also called: Neoplastic Syndromes, Hereditary; Tumor predisposition; Hereditary neoplastic syndrome; Hereditary Cancer Syndrome. Identifiers: Orphanet 140162, MedGen C0027672, MeSH D009386, MONDO:0015356.
Cardiovascular phenotype. Identifiers: MedGen CN230736.

Submission:

Ambry Genetics
Classification: Uncertain significance for Cardiovascular phenotype; Hereditary cancer-predisposing syndrome. Last evaluated: 2019-08-19. Review status: criteria provided, single submitter. Criteria: Ambry Variant Classification Scheme 2023. Collection method: clinical testing. Allele origin: germline.
Comment: The p.I1381M variant (also known as c.4143C>G), located in coding exon 31 of the NF1 gene, results from a C to G substitution at nucleotide position 4143. The isoleucine at codon 1381 is replaced by methionine, an amino acid with highly similar properties. This amino acid position is highly conserved in available vertebrate species. In addition, the in silico prediction for this alteration is inconclusive. Since supporting evidence is limited at this time, the clinical significance of this alteration remains unclear.